The following is an entry in ClinVar:

NM_014975.3(MAST1):c.4661del (p.Pro1554fs)

Gene: MAST1 (microtubule associated serine/threonine kinase 1; plus strand). Cytogenetic location: 19p13.13.
Variant type: Deletion.
Coding change: c.4661del on transcript NM_014975.3 (MANE Select); coding-DNA position 4661, one base deleted (C; older notation c.4661delC).
Protein change: p.Pro1554fs; shifts the reading frame from proline 1554.
Molecular consequence: frameshift variant.
Genome position (GRCh38, 1-based): chr19:12,874,818, C deleted; the last of 5 consecutive C bases (chr19:12,874,814-12,874,818); deleting any one gives the same sequence. VCF-style (leftmost placement, unchanged base first): chr19-12874813-GC-G. GRCh37 (hg19) VCF-style: chr19-12985627-GC-G.
Other names: short protein forms P1554fs.
Identifiers: ClinVar variation 4717421 (VCV004717421.1).

ClinVar aggregate classification (germline): Uncertain significance (1 of 4 stars; one submission).

Submission:

Labcorp Genetics (formerly Invitae), Labcorp
Classification: Uncertain significance. Last evaluated: 2025-04-19. Review status: criteria provided, single submitter. Criteria: Invitae Variant Classification Sherloc (09022015). Collection method: clinical testing. Allele origin: germline.
Comment: This sequence change creates a premature translational stop signal (p.Pro1554Glnfs*4) in the MAST1 gene. While this is not anticipated to result in nonsense mediated decay, it is expected to disrupt the last 17 amino acid(s) of the MAST1 protein. This variant is not present in population databases (gnomAD no frequency). This variant has not been reported in the literature in individuals affected with MAST1-related conditions. In summary, the available evidence is currently insufficient to determine the role of this variant in disease. Therefore, it has been classified as a Variant of Uncertain Significance.